The following is an entry in ClinVar:

ClinVar aggregate classification (germline): Uncertain significance (1 of 4 stars; one submission).

gnomAD v4.1: 1 of 1,537,318 alleles (0.000065%); highest among the groups gnomAD compares: Non-Finnish European, 0.000087%; no homozygotes.

Submission:

CeGaT Center for Human Genetics Tuebingen
Classification: Uncertain significance. Last evaluated: 2026-01-01. Review status: criteria provided, single submitter. Criteria: CeGaT Center For Human Genetics Tuebingen Variant Classification Criteria Version 2. Collection method: clinical testing. Allele origin: germline. Affected: yes. Observed: 1 variant allele.
Comment: GNAL: PM2, BP4

NM_182978.4(GNAL):c.276C>T (p.Arg92=)

Gene: GNAL (G protein subunit alpha L; plus strand). Cytogenetic location: 18p11.21.
Variant type: single nucleotide variant.
Coding change: c.276C>T on transcript NM_182978.4 (MANE Select); coding-DNA position 276, C replaced by T.
Protein change: p.Arg92=; no amino-acid change (arginine 92 retained).
Molecular consequence: synonymous variant.
Genome position (GRCh38, 1-based): chr18:11,689,839, C>T. VCF-style: chr18-11689839-C-T. GRCh37 (hg19) VCF-style: chr18-11689838-C-T.
Identifiers: ClinVar variation 4823060 (VCV004823060.4).
Genomic context (GRCh38, chr18:11,689,839, plus strand): 5'-GGAGAAGCGGCAGCGCACCGAGCAGCTGAGTGCCGAGGAGCGCGAGGCGGCCAAGGAGCG[C>T]GAGGCGGTCAAGGAGGCGAGGAAAGTGAGCCGGGGCATCGACCGCATGCTGCGCGACCAG-3'
Protein context (NP_892023.1, residues 82-102): SAEEREAAKE[Arg92=]EAVKEARKVS